The following is an entry in ClinVar:

ClinVar aggregate classification (germline): Likely benign (0 of 4 stars; one submission).

Conditions:
PHIP-related disorder. Also called: PHIP-related condition; PHIP-related disorders.

gnomAD v4.1: 1 of 1,598,946 alleles (0.000063%); highest among the groups gnomAD compares: Admixed American, 0.0017%; no homozygotes.

Submission:

PreventionGenetics, part of Exact Sciences
Classification: Likely benign for PHIP-related condition. Last evaluated: 2024-04-02. Review status: no assertion criteria provided. Collection method: clinical testing. Allele origin: germline.
Comment: This variant is classified as likely benign based on ACMG/AMP sequence variant interpretation guidelines (Richards et al. 2015 PMID: 25741868, with internal and published modifications).

NM_017934.7(PHIP):c.1390-10A>C

Gene: PHIP (PHIP subunit of CUL4-Ring ligase complex; minus strand). Cytogenetic location: 6q14.1.
Variant type: single nucleotide variant.
Coding change: c.1390-10A>C on transcript NM_017934.7 (MANE Select); 10 bases into the intron before coding-DNA position 1390, A replaced by C.
Molecular consequence: intron variant.
Genome position (GRCh38, 1-based): chr6:79,015,226, T>G on the plus strand (A>C on the coding strand, the complement: PHIP is on the minus strand). VCF-style: chr6-79015226-T-G. GRCh37 (hg19) VCF-style: chr6-79724943-T-G.
Identifiers: ClinVar variation 3350137 (VCV003350137.1).